The following is an entry in ClinVar:

NM_000463.3(UGT1A1):c.1354G>T (p.Val452Leu)

Genes: UGT1A8 (UDP glucuronosyltransferase family 1 member A8; plus strand), UGT1A9 (UDP glucuronosyltransferase family 1 member A9; plus strand), UGT1A4 (UDP glucuronosyltransferase family 1 member A4; plus strand), UGT1A5 (UDP glucuronosyltransferase family 1 member A5; plus strand), UGT1A6 (UDP glucuronosyltransferase family 1 member A6; plus strand) and 5 more. Cytogenetic location: 2q37.1.
Variant type: single nucleotide variant.
Coding change: c.1354G>T on transcript NM_000463.3 (MANE Select); coding-DNA position 1354, G replaced by T.
Protein change: p.Val452Leu; replaces valine 452 with leucine.
Molecular consequence: missense variant.
Genome position (GRCh38, 1-based): chr2:233,772,311, G>T. VCF-style: chr2-233772311-G-T. GRCh37 (hg19) VCF-style: chr2-234680957-G-T.
Other names: c.1345G>T, p.Val449Leu (NM_019075.4, NM_019076.5, NM_019077.3 and 1 more transcripts); c.1351G>T, p.Val451Leu (NM_001072.4); c.550G>T, p.Val184Leu (NM_205862.3); c.1357G>T, p.Val453Leu (NM_019078.2, NM_007120.3, NM_019093.4); short protein forms V184L, V449L, V451L, V452L, V453L.
Identifiers: ClinVar variation 160231 (VCV000160231.7), dbSNP rs587784536, ClinGen allele CA173834.

ClinVar aggregate classification (germline): Uncertain significance. Review status: criteria provided, multiple submitters, no conflicts (2 of 4 stars). 2 submissions from 2 submitters: Uncertain significance (2). Last evaluated 2025-05-06.

Conditions:
Hyperbilirubinemia. Identifiers: MedGen C0311468, MONDO:0024288, HP:0002904.

Allele frequency attached by ClinVar (database versions not stated): TOPMed 0.00001; gnomAD exomes 0.00002 and 0.00004; ExAC 0.00006.
gnomAD v4.1: 12 of 1,614,228 alleles (0.00074%); highest among the groups gnomAD compares: Admixed American, 0.015%; no homozygotes.

Submissions (2):

Labcorp Genetics (formerly Invitae), Labcorp
Classification: Uncertain significance. Last evaluated: 2025-05-06. Review status: criteria provided, single submitter. Criteria: Invitae Variant Classification Sherloc (09022015). Collection method: clinical testing. Allele origin: germline.
Comment: This sequence change replaces valine, which is neutral and non-polar, with leucine, which is neutral and non-polar, at codon 452 of the UGT1A1 protein (p.Val452Leu). This variant is present in population databases (rs587784536, gnomAD 0.02%). This variant has not been reported in the literature in individuals affected with UGT1A1-related conditions. ClinVar contains an entry for this variant (Variation ID: 160231). Invitae Evidence Modeling of protein sequence and biophysical properties (such as structural, functional, and spatial information, amino acid conservation, physicochemical variation, residue mobility, and thermodynamic stability) indicates that this missense variant is not expected to disrupt UGT1A1 protein function with a negative predictive value of 80%. In summary, the available evidence is currently insufficient to determine the role of this variant in disease. Therefore, it has been classified as a Variant of Uncertain Significance.

Genetic Services Laboratory, University of Chicago
Classification: Uncertain significance for Hyperbilirubinemia. Last evaluated: 2014-05-20. Review status: criteria provided, single submitter. Criteria: ACMG Guidelines, 2015. Collection method: clinical testing. Allele origin: germline. Inheritance: Autosomal recessive inheritance.